The following is an entry in ClinVar:

NM_000038.6(APC):c.1297C>G (p.Gln433Glu)

Gene: APC (APC regulator of Wnt signaling pathway; plus strand). Cytogenetic location: 5q22.2.
Variant type: single nucleotide variant.
Coding change: c.1297C>G on transcript NM_000038.6 (MANE Select); coding-DNA position 1297, C replaced by G.
Protein change: p.Gln433Glu; replaces glutamine 433 with glutamic acid.
Molecular consequence: missense variant.
Genome position (GRCh38, 1-based): chr5:112,819,329, C>G. VCF-style: chr5-112819329-C-G. GRCh37 (hg19) VCF-style: chr5-112155026-C-G.
Other names: c.1297C>G, p.Gln433Glu (NM_001127510.3, NM_001354895.2, NM_001354896.2); c.1243C>G, p.Gln415Glu (NM_001127511.3); c.1327C>G, p.Gln443Glu (NM_001354897.2); c.1222C>G, p.Gln408Glu (NM_001354898.2); c.1213C>G, p.Gln405Glu (NM_001354899.2); c.1120C>G, p.Gln374Glu (NM_001354900.2, NM_001354901.2); c.1024C>G, p.Gln342Glu (NM_001354902.2); c.994C>G, p.Gln332Glu (NM_001354903.2); and 3 more; short protein forms Q150E, Q307E, Q374E, Q405E, Q408E, Q415E, Q273E, Q433E.
Identifiers: ClinVar variation 836795 (VCV000836795.12), dbSNP rs863225309, ClinGen allele CA16024146.

ClinVar aggregate classification (germline): Uncertain significance. Review status: criteria provided, multiple submitters, no conflicts (2 of 4 stars). 2 submissions from 2 submitters: Uncertain significance (2). Last evaluated 2026-08-03.

Conditions:
Hereditary cancer-predisposing syndrome. Also called: Tumor predisposition; Hereditary neoplastic syndrome; Neoplastic Syndromes, Hereditary; Hereditary Cancer Syndrome. Identifiers: Orphanet 140162, MedGen C0027672, MeSH D009386, MONDO:0015356.
Familial adenomatous polyposis 1 (FAP1). Also called: FAMILIAL ADENOMATOUS POLYPOSIS 1, ATTENUATED; POLYPOSIS, ADENOMATOUS INTESTINAL. Identifiers: MedGen C2713442, MONDO:0021056, OMIM 175100. Disease mechanism: loss of function.

Submissions (2):

Ambry Genetics
Classification: Uncertain significance for Hereditary cancer-predisposing syndrome. Last evaluated: 2026-08-03. Review status: criteria provided, single submitter. Criteria: Ambry Variant Classification Scheme 2023. Collection method: clinical testing. Allele origin: germline.
Comment: The p.Q433E variant (also known as c.1297C>G), located in coding exon 9 of the APC gene, results from a C to G substitution at nucleotide position 1297. The glutamine at codon 433 is replaced by glutamic acid, an amino acid with highly similar properties. This amino acid position is conserved. In addition, in silico predictors for this gene do not accurately predict pathogenicity. Based on the available evidence, the clinical significance of this variant remains unclear.

Labcorp Genetics (formerly Invitae), Labcorp
Classification: Uncertain significance for Familial adenomatous polyposis 1. Last evaluated: 2024-08-28. Review status: criteria provided, single submitter. Criteria: Invitae Variant Classification Sherloc (09022015). Collection method: clinical testing. Allele origin: germline.
Comment: This sequence change replaces glutamine, which is neutral and polar, with glutamic acid, which is acidic and polar, at codon 433 of the APC protein (p.Gln433Glu). This variant is not present in population databases (gnomAD no frequency). This variant has not been reported in the literature in individuals affected with APC-related conditions. ClinVar contains an entry for this variant (Variation ID: 836795). Invitae Evidence Modeling of protein sequence and biophysical properties (such as structural, functional, and spatial information, amino acid conservation, physicochemical variation, residue mobility, and thermodynamic stability) indicates that this missense variant is not expected to disrupt APC protein function with a negative predictive value of 95%. In summary, the available evidence is currently insufficient to determine the role of this variant in disease. Therefore, it has been classified as a Variant of Uncertain Significance.